The following is an entry in ClinVar:

ClinVar aggregate classification (germline): Uncertain significance. Review status: criteria provided, multiple submitters, no conflicts (2 of 4 stars). 2 submissions from 2 submitters: Uncertain significance (2). Last evaluated 2025-07-25.

Conditions:
PLXNA2-related disorder. Also called: PLXNA2-related condition.

Allele frequency attached by ClinVar (database versions not stated): TOPMed below 0.00001; gnomAD exomes 0.00001.
gnomAD v4.1: 5 of 1,614,198 alleles (0.00031%); highest among the groups gnomAD compares: Admixed American, 0.0083%; no homozygotes.

Submissions (2):

PreventionGenetics, part of Exact Sciences
Classification: Uncertain significance for PLXNA2-related condition. Last evaluated: 2025-07-25. Review status: criteria provided, single submitter. Criteria: ACMG Guidelines, 2015. Collection method: clinical testing. Allele origin: germline.
Comment: The PLXNA2 c.1093T>A variant is predicted to result in the amino acid substitution p.Leu365Met. To our knowledge, this variant has not been reported in the literature. This variant is reported in 0.0058% of alleles in individuals of Latino descent in gnomAD. At this time, the clinical significance of this variant is uncertain due to the absence of conclusive functional and genetic evidence.

Labcorp Genetics (formerly Invitae), Labcorp
Classification: Uncertain significance. Last evaluated: 2021-12-20. Review status: criteria provided, single submitter. Criteria: Invitae Variant Classification Sherloc (09022015). Collection method: clinical testing. Allele origin: germline.
Comment: In summary, the available evidence is currently insufficient to determine the role of this variant in disease. Therefore, it has been classified as a Variant of Uncertain Significance. Algorithms developed to predict the effect of missense changes on protein structure and function (SIFT, PolyPhen-2, Align-GVGD) all suggest that this variant is likely to be tolerated. This variant has not been reported in the literature in individuals affected with PLXNA2-related conditions. This variant is present in population databases (no rsID available, gnomAD 0.006%). This sequence change replaces leucine, which is neutral and non-polar, with methionine, which is neutral and non-polar, at codon 365 of the PLXNA2 protein (p.Leu365Met).

NM_025179.4(PLXNA2):c.1093T>A (p.Leu365Met)

Gene: PLXNA2 (plexin A2; minus strand). Cytogenetic location: 1q32.2.
Variant type: single nucleotide variant.
Coding change: c.1093T>A on transcript NM_025179.4 (MANE Select); coding-DNA position 1093, T replaced by A.
Protein change: p.Leu365Met; replaces leucine 365 with methionine.
Molecular consequence: missense variant.
Genome position (GRCh38, 1-based): chr1:208,216,830, A>T on the plus strand (T>A on the coding strand, the complement: PLXNA2 is on the minus strand). VCF-style: chr1-208216830-A-T. GRCh37 (hg19) VCF-style: chr1-208390175-A-T.
Other names: c.1093T>A (NM_025179.3); short protein forms L365M.
Identifiers: ClinVar variation 1391445 (VCV001391445.7), dbSNP rs1359523342, ClinGen allele CA344557618.
Genomic context (GRCh38, chr1:208,216,830, plus strand): 5'-AGTTGAGCTCCAGGTTGCCCTCGCCCTGGTAGCAGGACTGCAGGCGCTCCTTGATCTGCA[A>T]GTTGATGGCCCGGATAGGGAAGGCACACAGGGCAGAGTCATCGGGCGGGTGGTGATACTG-3'
Protein context (NP_079455.3, residues 355-375): LCAFPIRAIN[Leu365Met]QIKERLQSCY